The following is an entry in ClinVar:

ClinVar aggregate classification (germline): Likely benign (0 of 4 stars; one submission).

Conditions:
EHHADH-related disorder. Also called: EHHADH-related condition.

Allele frequency attached by ClinVar (database versions not stated): ExAC 0.00005; ESP Exome Variant Server 0.00008; TOPMed 0.00011; gnomAD 0.00017; 1000 Genomes Project 30x 0.00031; 1000 Genomes Project 0.00040.
gnomAD v4.1: 42 of 1,614,200 alleles (0.0026%); highest among the groups gnomAD compares: African/African-American, 0.053%; no homozygotes.

Submission:

PreventionGenetics, part of Exact Sciences
Classification: Likely benign for EHHADH-related condition. Last evaluated: 2019-12-26. Review status: no assertion criteria provided. Collection method: clinical testing. Allele origin: germline.
Comment: This variant is classified as likely benign based on ACMG/AMP sequence variant interpretation guidelines (Richards et al. 2015 PMID: 25741868, with internal and published modifications).

NM_001966.4(EHHADH):c.789G>C (p.Gly263=)

Gene: EHHADH (enoyl-CoA hydratase and 3-hydroxyacyl CoA dehydrogenase; minus strand). Cytogenetic location: 3q27.2.
Variant type: single nucleotide variant.
Coding change: c.789G>C on transcript NM_001966.4 (MANE Select); coding-DNA position 789, G replaced by C.
Protein change: p.Gly263=; no amino-acid change (glycine 263 retained).
Molecular consequence: synonymous variant.
Genome position (GRCh38, 1-based): chr3:185,204,537, C>G on the plus strand (G>C on the coding strand, the complement: EHHADH is on the minus strand). VCF-style: chr3-185204537-C-G. GRCh37 (hg19) VCF-style: chr3-184922325-C-G.
Other names: c.501G>C, p.Gly167= (NM_001166415.2).
Identifiers: ClinVar variation 3043622 (VCV003043622.2), dbSNP rs150375664, ClinGen allele CA2739126.